The following is an entry in ClinVar:

NM_000350.3(ABCA4):c.3975G>A (p.Pro1325=)

Gene: ABCA4 (ATP binding cassette subfamily A member 4; minus strand). Cytogenetic location: 1p22.1.
Variant type: single nucleotide variant.
Coding change: c.3975G>A on transcript NM_000350.3 (MANE Select); coding-DNA position 3975, G replaced by A.
Protein change: p.Pro1325=; no amino-acid change (proline 1325 retained).
Molecular consequence: synonymous variant.
Genome position (GRCh38, 1-based): chr1:94,031,931, C>T on the plus strand (G>A on the coding strand, the complement: ABCA4 is on the minus strand). VCF-style: chr1-94031931-C-T. GRCh37 (hg19) VCF-style: chr1-94497487-C-T.
Other names: c.3753G>A, p.Pro1251= (NM_001425324.1); c.3975G>A (NM_000350.2).
Identifiers: ClinVar variation 1670303 (VCV001670303.10), dbSNP rs146548044, ClinGen allele CA957755.

ClinVar aggregate classification (germline): Likely benign. Review status: criteria provided, multiple submitters, no conflicts (2 of 4 stars). 3 submissions from 3 submitters: Likely benign (2). 1 of the submissions does not count toward it. Last evaluated 2025-03-17.

Conditions:
ABCA4-related disorder. Also called: ABCA4-related disorders; ABCA4-related condition. Identifiers: MedGen CN239167.

Allele frequency attached by ClinVar (database versions not stated): ExAC 0.00002; gnomAD exomes 0.00002; gnomAD 0.00003; TOPMed 0.00007; ESP Exome Variant Server 0.00008; 1000 Genomes Project 30x 0.00016; 1000 Genomes Project 0.00020.
gnomAD v4.1: 40 of 1,614,056 alleles (0.0025%); highest among the groups gnomAD compares: Middle Eastern, 0.05%; no homozygotes.

Submissions (3):

Labcorp Genetics (formerly Invitae), Labcorp
Classification: Likely benign. Last evaluated: 2025-03-17. Review status: criteria provided, single submitter. Criteria: Invitae Variant Classification Sherloc (09022015). Collection method: clinical testing. Allele origin: germline.

Blueprint Genetics
Classification: Likely benign. Last evaluated: 2023-06-01. Review status: criteria provided, single submitter. Criteria: ACMG Guidelines, 2015. Collection method: clinical testing. Allele origin: germline.

PreventionGenetics, part of Exact Sciences
Classification: Likely benign for ABCA4-related condition. Last evaluated: 2024-08-16. Review status: no assertion criteria provided. Collection method: clinical testing. Allele origin: germline. Not counted in ClinVar's aggregate classification.
Comment: This variant is classified as likely benign based on ACMG/AMP sequence variant interpretation guidelines (Richards et al. 2015 PMID: 25741868, with internal and published modifications).